The following is an entry in ClinVar:

NM_152564.5(VPS13B):c.8761A>G (p.Ile2921Val)

Gene: VPS13B (vacuolar protein sorting 13 homolog B; plus strand). Cytogenetic location: 8q22.2.
Variant type: single nucleotide variant.
Coding change: c.8761A>G on transcript NM_152564.5 (MANE Select); coding-DNA position 8761, A replaced by G.
Protein change: p.Ile2921Val; replaces isoleucine 2921 with valine.
Molecular consequence: missense variant.
Genome position (GRCh38, 1-based): chr8:99,819,551, A>G. VCF-style: chr8-99819551-A-G. GRCh37 (hg19) VCF-style: chr8-100831779-A-G.
Other names: c.8836A>G, p.Ile2946Val (NM_017890.5); short protein forms I2921V, I2946V.
Identifiers: ClinVar variation 2172977 (VCV002172977.3), dbSNP rs1186055300, ClinGen allele CA371776596.
Genomic context (GRCh38, chr8:99,819,551, plus strand): 5'-GGAGGCACAGTTAATCAGATCCTTGACGAATTCTATGGGCCAGAAAAGTCGCTTCAACCC[A>G]TATGGCCCTATAATAAGAAGGATTCTGACAGGTAATATTCTTCAGTGATCTTTTTCTACA-3'
Protein context (NP_689777.3, residues 2911-2931): FYGPEKSLQP[Ile2921Val]WPYNKKDSDR

ClinVar aggregate classification (germline): Uncertain significance. Review status: criteria provided, multiple submitters, no conflicts (2 of 4 stars). 2 submissions from 2 submitters: Uncertain significance (2). Last evaluated 2025-10-09.

Conditions:
Cohen syndrome (COH1). Also called: PEPPER SYNDROME; Cutis verticis gyrata, retinitis pigmentosa, and sensorineural deafness. Identifiers: Orphanet 193, MedGen C0265223, MONDO:0008999, OMIM 216550.
VPS13B-related disorder. Also called: VPS13B-related condition.

Allele frequency attached by ClinVar (database versions not stated): TOPMed 0.00001.
gnomAD v4.1: 4 of 1,613,634 alleles (0.00025%); highest among the groups gnomAD compares: Middle Eastern, 0.016%; no homozygotes.

Submissions (2):

PreventionGenetics, part of Exact Sciences
Classification: Uncertain significance for VPS13B-related condition. Last evaluated: 2025-10-09. Review status: criteria provided, single submitter. Criteria: ACMG Guidelines, 2015. Collection method: clinical testing. Allele origin: germline.
Comment: The VPS13B c.8761A>G variant is predicted to result in the amino acid substitution p.Ile2921Val. To our knowledge, this variant has not been reported in the literature or in a large population database (gnomAD), indicating this variant is rare. At this time, the clinical significance of this variant is uncertain due to the absence of conclusive functional and genetic evidence.

Labcorp Genetics (formerly Invitae), Labcorp
Classification: Uncertain significance for Cohen syndrome. Last evaluated: 2023-11-27. Review status: criteria provided, single submitter. Criteria: Invitae Variant Classification Sherloc (09022015). Collection method: clinical testing. Allele origin: germline.
Comment: This sequence change replaces isoleucine, which is neutral and non-polar, with valine, which is neutral and non-polar, at codon 2946 of the VPS13B protein (p.Ile2946Val). This variant is not present in population databases (gnomAD no frequency). This variant has not been reported in the literature in individuals affected with VPS13B-related conditions. ClinVar contains an entry for this variant (Variation ID: 2172977). Advanced modeling of protein sequence and biophysical properties (such as structural, functional, and spatial information, amino acid conservation, physicochemical variation, residue mobility, and thermodynamic stability) performed at Invitae indicates that this missense variant is not expected to disrupt VPS13B protein function with a negative predictive value of 80%. In summary, the available evidence is currently insufficient to determine the role of this variant in disease. Therefore, it has been classified as a Variant of Uncertain Significance.